The following is an entry in ClinVar:

ClinVar aggregate classification (germline): Pathogenic (1 of 4 stars; one submission).

Submission:

Labcorp Genetics (formerly Invitae), Labcorp
Classification: Pathogenic. Last evaluated: 2022-08-10. Review status: criteria provided, single submitter. Criteria: Invitae Variant Classification Sherloc (09022015). Collection method: clinical testing. Allele origin: germline.
Comment: This variant is a gross deletion of the genomic region encompassing exon(s) 3-12 of the ERCC8 gene, which includes the termination codon. This deletion extends beyond the assayed region for this gene and therefore may encompass additional genes. While this deletion is not anticipated to lead to nonsense mediated decay, it is expected to alter mRNA translation or result in a truncated protein product. This variant has not been reported in the literature in individuals affected with ERCC8-related conditions. The region of the ERCC8 gene that includes exon(s) 5-11 has been determined to be clinically significant (Invitae). Therefore, deletions that encompass that region are likely to be disease-causing. For these reasons, this variant has been classified as Pathogenic.

NC_000005.9:g.(?_60170442)_(60218002_?)del

Gene: ERCC8 (ERCC excision repair 8, CSA ubiquitin ligase complex subunit; minus strand). Cytogenetic location: 5q12.1.
Variant type: Deletion.
Identifiers: ClinVar variation 2422324 (VCV002422324.3).